The following is an entry in ClinVar:

NM_001205293.3(CACNA1E):c.4871T>C (p.Ile1624Thr)

Gene: CACNA1E (calcium voltage-gated channel subunit alpha1 E; plus strand). Cytogenetic location: 1q25.3.
Variant type: single nucleotide variant.
Coding change: c.4871T>C on transcript NM_001205293.3 (MANE Select); coding-DNA position 4871, T replaced by C.
Protein change: p.Ile1624Thr; replaces isoleucine 1624 with threonine.
Molecular consequence: missense variant.
Genome position (GRCh38, 1-based): chr1:181,766,601, T>C. VCF-style: chr1-181766601-T-C. GRCh37 (hg19) VCF-style: chr1-181735737-T-C.
Other names: c.4871T>C, p.Ile1624Thr (NM_000721.4); c.4814T>C, p.Ile1605Thr (NM_001205294.2); short protein forms I1605T, I1624T.
Identifiers: ClinVar variation 3234065 (VCV003234065.1), dbSNP rs2529074233, ClinGen allele CA343627453.

ClinVar aggregate classification (germline): Uncertain significance (1 of 4 stars; one submission).

Conditions:
Developmental and epileptic encephalopathy, 69. Also called: EPILEPTIC ENCEPHALOPATHY, EARLY INFANTILE, 69. Identifiers: MedGen C4748988, MONDO:0032657, OMIM 618285.

Submission:

MVZ Medizinische Genetik Mainz
Classification: Uncertain significance for Developmental and epileptic encephalopathy, 69. Last evaluated: 2022-11-16. Review status: criteria provided, single submitter. Criteria: UK Practice Guidelines For Variant Classification V4 01 2020. Collection method: clinical testing. Allele origin: germline. Inheritance: Autosomal dominant inheritance. Affected: yes. Observed: 1 variant allele.
Comment: ACMG Criteria: PM2_SUP, PP2, PP3 (ACMG Version 4)